The following is an entry in ClinVar:

ClinVar aggregate classification (germline): Pathogenic (1 of 4 stars; one submission).

Conditions:
Pyruvate carboxylase deficiency. Also called: LEIGH NECROTIZING ENCEPHALOPATHY DUE TO PYRUVATE CARBOXYLASE DEFICIENCY; LEIGH SYNDROME DUE TO PYRUVATE CARBOXYLASE DEFICIENCY; PC DEFICIENCY; Pyruvate Carboxylase Deficiency Disease; ATAXIA WITH LACTIC ACIDOSIS II. Identifiers: Orphanet 3008, MedGen C0034341, MONDO:0009949, OMIM 266150.

Submission:

Labcorp Genetics (formerly Invitae), Labcorp
Classification: Pathogenic for Pyruvate carboxylase deficiency. Last evaluated: 2023-09-06. Review status: criteria provided, single submitter. Criteria: Invitae Variant Classification Sherloc (09022015). Collection method: clinical testing. Allele origin: germline.
Comment: For these reasons, this variant has been classified as Pathogenic. This variant has not been reported in the literature in individuals affected with PC-related conditions. This variant is not present in population databases (gnomAD no frequency). This sequence change creates a premature translational stop signal (p.Pro984Serfs*49) in the PC gene. It is expected to result in an absent or disrupted protein product. Loss-of-function variants in PC are known to be pathogenic (PMID: 12112657, 19306334).

Literature cited by the submitters: PubMed 12112657; PubMed 19306334.

NM_001040716.2(PC):c.2948dup (p.Pro984fs)

Gene: PC (pyruvate carboxylase; minus strand). Cytogenetic location: 11q13.2.
Variant type: Duplication.
Coding change: c.2948dup on transcript NM_001040716.2 (MANE Select); coding-DNA position 2948, one base duplicated (C; older notation c.2948dupC).
Protein change: p.Pro984fs; shifts the reading frame from proline 984.
Molecular consequence: frameshift variant.
Genome position (GRCh38, 1-based): chr11:66,849,810, G duplicated on the plus strand (C on the coding strand, the reverse complement: PC is on the minus strand); the first of 3 consecutive G bases (chr11:66,849,810-66,849,812); duplicating any one gives the same sequence. VCF-style (leftmost placement, unchanged base first): chr11-66849809-A-AG. GRCh37 (hg19) VCF-style: chr11-66617280-A-AG.
Other names: c.2948dup, p.Pro984fs (NM_000920.4, NM_022172.3); short protein forms P984fs.
Identifiers: ClinVar variation 2758517 (VCV002758517.3), dbSNP rs2495406855, ClinGen allele CA2697548750.